The following is an entry in ClinVar:

ClinVar aggregate classification (germline): Pathogenic/Likely pathogenic. Review status: criteria provided, multiple submitters, no conflicts (2 of 4 stars). 7 submissions from 7 submitters: Pathogenic (3); Likely pathogenic (2). 2 of the submissions do not count toward it. Last evaluated 2026-04-16.

Conditions:
KCND3-associated neurodevelopmental disorder.
Brugada syndrome 9 (BRGDA9). Identifiers: Orphanet 130, MedGen C4225340, MONDO:0014621, OMIM 616399.
Spinocerebellar ataxia type 19/22 (SCA19). Also called: SPINOCEREBELLAR ATAXIA 22; SPINOCEREBELLAR ATAXIA 19. Identifiers: Orphanet 98772, MedGen C1846367, MONDO:0011819, OMIM 607346.

Submissions (7):

Institute of Human Genetics, University of Leipzig Medical Center
Classification: Pathogenic for KCND3-associated neurodevelopmental disorder. Last evaluated: 2026-04-16. Review status: criteria provided, single submitter. Criteria: ACMG Guidelines, 2015. Collection method: clinical testing. Allele origin: unknown. Inheritance: Autosomal dominant inheritance. Affected: yes.
Comment: Criteria applied: PS2_MOD,PS4_MOD,PM1,PM2,PP2,PP3

GeneDx
Classification: Pathogenic. Last evaluated: 2024-11-05. Review status: criteria provided, single submitter. Criteria: GeneDx Variant Classification Process June 2021. Collection method: clinical testing. Allele origin: germline. Affected: yes.
Comment: Published functional studies demonstrated p.(V392I) significantly increased peak current density compared to wild type and slowed recovery from inactivation, suggestive of a mixed electrophysiological phenotype (PMID: 22457051); Not observed at significant frequency in large population cohorts (gnomAD); In silico analysis supports that this missense variant does not alter protein structure/function; This variant is associated with the following publications: (PMID: 23400760, 34426522, 34361012, 30662450, 32921676, 32901917, 30776697, 34709746, Ahammed2023[Review], 36376730, 33920294, 35861988, 35388935, 35813061, 22457051)

3billion
Classification: Likely pathogenic for Brugada syndrome 9. Last evaluated: 2024-08-16. Review status: criteria provided, single submitter. Criteria: ACMG Guidelines, 2015. Collection method: clinical testing. Allele origin: germline. Affected: yes.
Comment: The variant is not observed in the gnomAD v4.0.0 dataset. Predicted Consequence/Location: Missense changes are a common disease-causing mechanism. In silico tool predictions suggest damaging effect of the variant on gene or gene product [REVEL: 0.84 (>=0.6, sensitivity 0.68 and specificity 0.92); 3Cnet: 0.93 (>=0.6, sensitivity 0.72 and precision 0.9)]. The same nucleotide change resulting in the same amino acid change has been previously reported as pathogenic/likely pathogenic with strong evidence (ClinVar ID: VCV000192255 /PMID: 22457051 /3billion dataset). Therefore, this variant is classified as Likely pathogenic according to the recommendation of ACMG/AMP guideline.

Clinical Genetics Laboratory, Skane University Hospital Lund
Classification: Likely pathogenic. Last evaluated: 2023-05-08. Review status: criteria provided, single submitter. Criteria: ACMG Guidelines, 2015. Collection method: clinical testing. Allele origin: germline. Affected: yes.

Labcorp Genetics (formerly Invitae), Labcorp
Classification: Pathogenic for Spinocerebellar ataxia type 19/22. Last evaluated: 2023-05-08. Review status: criteria provided, single submitter. Criteria: Invitae Variant Classification Sherloc (09022015). Collection method: clinical testing. Allele origin: germline.
Comment: For these reasons, this variant has been classified as Pathogenic. Experimental studies have shown that this missense change affects KCND3 function (PMID: 22457051). Advanced modeling of protein sequence and biophysical properties (such as structural, functional, and spatial information, amino acid conservation, physicochemical variation, residue mobility, and thermodynamic stability) has been performed at Invitae for this missense variant, however the output from this modeling did not meet the statistical confidence thresholds required to predict the impact of this variant on KCND3 protein function. ClinVar contains an entry for this variant (Variation ID: 192255). This missense change has been observed in individual(s) with autosomal dominant KCND3-related conditions and/or sudden unexplained death or non-syndromic epileptic encephalopathy (PMID: 22457051, 30776697, 32921676). In at least one individual the variant was observed to be de novo. It has also been observed to segregate with disease in related individuals. This variant is not present in population databases (gnomAD no frequency). This sequence change replaces valine, which is neutral and non-polar, with isoleucine, which is neutral and non-polar, at codon 392 of the KCND3 protein (p.Val392Ile).

OMIM
Classification: Pathogenic for BRUGADA SYNDROME 9. Last evaluated: 2012-06-01. Review status: no assertion criteria provided. Collection method: literature only. Allele origin: germline. Not counted in ClinVar's aggregate classification.

Genetics and Molecular Pathology, SA Pathology
Classification: Uncertain significance for Brugada syndrome 9. Last evaluated: 2022-02-07. Review status: flagged submission. Criteria: ACMG Guidelines, 2015. Collection method: clinical testing. Allele origin: germline. Inheritance: Autosomal dominant inheritance. Affected: yes. Not counted in ClinVar's aggregate classification.
Comment: The KCND3 c.1174G>A variant is classified as a VARIANT of UNCERTAIN SIGNIFICANCE (PS4_Supporting, PM2, PP3) The KCND3 c.1174G>A variant is a single nucleotide change in exon 3/8 of the KCND3 gene, which is predicted to change the amino acid valine at position 392 in the protein to isoleucine. This variant has been reported in dbSNP (rs786205867) but is absent from population databases (PM2). This variant has been reported as pathogenic, likely pathogenic and VUS by other diagnostic laboratories (ClinVar Variation ID: 192255). it has also been reported as damaging in the HGMD disease database for Epileptic encephalopathy, Brugada syndrome and sudden unexplained death syndrome (CM124831). Computational predictions support a deleterious effect on the gene or gene product (PP3).
ClinVar note: Reason: Outlier claim with insufficient supporting evidence

Literature cited by the submitters: PubMed 32823520 (cited by Institute of Human Genetics, University of Leipzig Medical Center); PubMed 22457051 (cited by 3 submitters); PubMed 30776697 (cited by Labcorp Genetics (formerly Invitae), Labcorp and Genetics and Molecular Pathology, SA Pathology); PubMed 32921676 (cited by Labcorp Genetics (formerly Invitae), Labcorp).

NM_001378969.1(KCND3):c.1174G>A (p.Val392Ile)

Gene: KCND3 (potassium voltage-gated channel subfamily D member 3; minus strand). Cytogenetic location: 1p13.2.
Variant type: single nucleotide variant.
Coding change: c.1174G>A on transcript NM_001378969.1 (MANE Select); coding-DNA position 1174, G replaced by A.
Protein change: p.Val392Ile; replaces valine 392 with isoleucine.
Molecular consequence: missense variant.
Genome position (GRCh38, 1-based): chr1:111,787,039, C>T on the plus strand (G>A on the coding strand, the complement: KCND3 is on the minus strand). VCF-style: chr1-111787039-C-T. GRCh37 (hg19) VCF-style: chr1-112329661-C-T.
Other names: c.1174G>A, p.Val392Ile (NM_001378970.1, NM_004980.5, NM_172198.3); short protein forms V392I.
Identifiers: ClinVar variation 192255 (VCV000192255.19), dbSNP rs786205867, ClinGen allele CA200132.